The following is an entry in ClinVar:

ClinVar aggregate classification (germline): Likely benign. Review status: criteria provided, multiple submitters, no conflicts (2 of 4 stars). 3 submissions from 3 submitters: Likely benign (2). 1 of the submissions does not count toward it. Last evaluated 2025-09-08.

Conditions:
Aortic valve disease 2 (AOVD2). Identifiers: MedGen C3542024, MONDO:0013902, OMIM 614823.
SMAD6-related disease. Also called: SMAD6-related condition; SMAD6-related disorder. Identifiers: MedGen CN381596, MONDO:0700324.
Inborn genetic diseases. Identifiers: MedGen C0950123, MeSH D030342.

Allele frequency attached by ClinVar (database versions not stated): TOPMed 0.00002.
gnomAD v4.1: 6 of 1,495,002 alleles (0.0004%); highest among the groups gnomAD compares: Admixed American, 0.0043%; no homozygotes.

Submissions (3):

Labcorp Genetics (formerly Invitae), Labcorp
Classification: Likely benign for Aortic valve disease 2. Last evaluated: 2025-09-08. Review status: criteria provided, single submitter. Criteria: Invitae Variant Classification Sherloc (09022015). Collection method: clinical testing. Allele origin: germline.

Ambry Genetics
Classification: Likely benign for Inborn genetic diseases. Last evaluated: 2025-03-13. Review status: criteria provided, single submitter. Criteria: Ambry Variant Classification Scheme 2023. Collection method: clinical testing. Allele origin: germline.

PreventionGenetics, part of Exact Sciences
Classification: Likely benign for SMAD6-related condition. Last evaluated: 2024-05-22. Review status: no assertion criteria provided. Collection method: clinical testing. Allele origin: germline. Not counted in ClinVar's aggregate classification.
Comment: This variant is classified as likely benign based on ACMG/AMP sequence variant interpretation guidelines (Richards et al. 2015 PMID: 25741868, with internal and published modifications).

NM_005585.5(SMAD6):c.747C>T (p.Ser249=)

Gene: SMAD6 (SMAD family member 6; plus strand). Cytogenetic location: 15q22.31.
Variant type: single nucleotide variant.
Coding change: c.747C>T on transcript NM_005585.5 (MANE Select); coding-DNA position 747, C replaced by T.
Protein change: p.Ser249=; no amino-acid change (serine 249 retained).
Molecular consequence: synonymous variant. On other transcripts: non-coding transcript variant (1).
Genome position (GRCh38, 1-based): chr15:66,704,005, C>T. VCF-style: chr15-66704005-C-T. GRCh37 (hg19) VCF-style: chr15-66996343-C-T.
Other names: c.747C>T (NM_005585.4).
Identifiers: ClinVar variation 2721179 (VCV002721179.5), dbSNP rs769678314, ClinGen allele CA7626522.